The following is an entry in ClinVar:

ClinVar aggregate classification (germline): Conflicting classifications of pathogenicity. Review status: criteria provided, conflicting classifications (1 of 4 stars). 3 submissions from 3 submitters: Uncertain significance (2); Likely benign (1). Last evaluated 2024-11-04.

Allele frequency attached by ClinVar (database versions not stated): gnomAD exomes 0.00002 and 0.00006; ExAC 0.00009; TOPMed 0.00015; 1000 Genomes Project 30x 0.00016; gnomAD 0.00018 and 0.00019; 1000 Genomes Project 0.00020.
gnomAD v4.1: 59 of 1,614,100 alleles (0.0037%); highest among the groups gnomAD compares: African/African-American, 0.059%; no homozygotes.

Submissions (3):

Labcorp Genetics (formerly Invitae), Labcorp
Classification: Uncertain significance. Last evaluated: 2024-11-04. Review status: criteria provided, single submitter. Criteria: Invitae Variant Classification Sherloc (09022015). Collection method: clinical testing. Allele origin: germline.
Comment: This sequence change replaces arginine, which is basic and polar, with glutamine, which is neutral and polar, at codon 425 of the PCARE protein (p.Arg425Gln). This variant is present in population databases (rs201602930, gnomAD 0.07%). This variant has not been reported in the literature in individuals affected with PCARE-related conditions. ClinVar contains an entry for this variant (Variation ID: 1040696). An algorithm developed to predict the effect of missense changes on protein structure and function outputs the following: PolyPhen-2: "Benign". The glutamine amino acid residue is found in multiple mammalian species, which suggests that this missense change does not adversely affect protein function. In summary, the available evidence is currently insufficient to determine the role of this variant in disease. Therefore, it has been classified as a Variant of Uncertain Significance.

Blueprint Genetics
Classification: Likely benign. Last evaluated: 2024-10-08. Review status: criteria provided, single submitter. Criteria: ACMG Guidelines, 2015. Collection method: clinical testing. Allele origin: germline.

Breakthrough Genomics
Classification: Uncertain significance. Review status: criteria provided, single submitter. Criteria: ACMG Guidelines, 2015. Collection method: not provided. Allele origin: germline. Inheritance: Unknown mechanism. Affected: yes.

NM_001029883.3(PCARE):c.1274G>A (p.Arg425Gln)

Gene: PCARE (photoreceptor cilium actin regulator; minus strand). Cytogenetic location: 2p23.2.
Variant type: single nucleotide variant.
Coding change: c.1274G>A on transcript NM_001029883.3 (MANE Select); coding-DNA position 1274, G replaced by A.
Protein change: p.Arg425Gln; replaces arginine 425 with glutamine.
Molecular consequence: missense variant.
Genome position (GRCh38, 1-based): chr2:29,072,988, C>T on the plus strand (G>A on the coding strand, the complement: PCARE is on the minus strand). VCF-style: chr2-29072988-C-T. GRCh37 (hg19) VCF-style: chr2-29295854-C-T.
Other names: short protein forms R425Q.
Identifiers: ClinVar variation 1040696 (VCV001040696.7), dbSNP rs201602930, ClinGen allele CA1592463.